The following is an entry in ClinVar:

NM_024009.3(GJB3):c.683G>A (p.Ser228Asn)

Gene: GJB3 (gap junction protein beta 3; plus strand). Cytogenetic location: 1p34.3.
Variant type: single nucleotide variant.
Coding change: c.683G>A on transcript NM_024009.3 (MANE Select); coding-DNA position 683, G replaced by A.
Protein change: p.Ser228Asn; replaces serine 228 with asparagine.
Molecular consequence: missense variant.
Genome position (GRCh38, 1-based): chr1:34,785,445, G>A. VCF-style: chr1-34785445-G-A. GRCh37 (hg19) VCF-style: chr1-35251046-G-A.
Other names: c.683G>A, p.Ser228Asn (NM_001005752.2); short protein forms S228N.
Identifiers: ClinVar variation 3907971 (VCV003907971.1).

ClinVar aggregate classification (germline): Uncertain significance (1 of 4 stars; one submission).

Submission:

GeneDx
Classification: Uncertain significance. Last evaluated: 2024-12-30. Review status: criteria provided, single submitter. Criteria: GeneDx Variant Classification Process June 2021. Collection method: clinical testing. Allele origin: germline. Affected: yes.
Comment: In silico analysis indicates that this missense variant does not alter protein structure/function; Has not been previously published as pathogenic or benign to our knowledge